The following is an entry in ClinVar:

NM_003835.4(RGS9):c.718A>T (p.Thr240Ser)

Gene: RGS9 (regulator of G protein signaling 9; plus strand). Cytogenetic location: 17q24.1.
Variant type: single nucleotide variant.
Coding change: c.718A>T on transcript NM_003835.4 (MANE Select); coding-DNA position 718, A replaced by T.
Protein change: p.Thr240Ser; replaces threonine 240 with serine.
Molecular consequence: missense variant.
Genome position (GRCh38, 1-based): chr17:65,190,208, A>T. VCF-style: chr17-65190208-A-T. GRCh37 (hg19) VCF-style: chr17-63186326-A-T.
Other names: c.709A>T, p.Thr237Ser (NM_001081955.3, NM_001165933.2); short protein forms T240S, T237S.
Identifiers: ClinVar variation 849459 (VCV000849459.6), dbSNP rs754956306, ClinGen allele CA8717812.

ClinVar aggregate classification (germline): Uncertain significance. Review status: criteria provided, multiple submitters, no conflicts (2 of 4 stars). 2 submissions from 2 submitters: Uncertain significance (2). Last evaluated 2022-08-16.

Allele frequency attached by ClinVar (database versions not stated): ExAC 0.00001; gnomAD 0.00002; gnomAD exomes 0.00002 and 0.00007; TOPMed 0.00006.
gnomAD v4.1: 29 of 1,613,852 alleles (0.0018%); highest among the groups gnomAD compares: Admixed American, 0.042%; 1 homozygote.

Submissions (2):

Labcorp Genetics (formerly Invitae), Labcorp
Classification: Uncertain significance. Last evaluated: 2022-08-16. Review status: criteria provided, single submitter. Criteria: Invitae Variant Classification Sherloc (09022015). Collection method: clinical testing. Allele origin: germline.
Comment: This sequence change replaces threonine, which is neutral and polar, with serine, which is neutral and polar, at codon 240 of the RGS9 protein (p.Thr240Ser). This variant is present in population databases (rs754956306, gnomAD 0.06%). This variant has not been reported in the literature in individuals affected with RGS9-related conditions. ClinVar contains an entry for this variant (Variation ID: 849459). Algorithms developed to predict the effect of missense changes on protein structure and function (SIFT, PolyPhen-2, Align-GVGD) all suggest that this variant is likely to be tolerated. In summary, the available evidence is currently insufficient to determine the role of this variant in disease. Therefore, it has been classified as a Variant of Uncertain Significance.

Blueprint Genetics
Classification: Uncertain significance. Last evaluated: 2022-04-15. Review status: criteria provided, single submitter. Criteria: ACMG Guidelines, 2015. Collection method: clinical testing. Allele origin: germline.